The following is an entry in ClinVar:

ClinVar aggregate classification (germline): Uncertain significance (1 of 4 stars; one submission).

Conditions:
Deficiency of adenosine deaminase 2. Also called: Polyarteritis nodosa, childhoood-onset; Adenosine Deaminase 2 Deficiency; VASCULITIS, AUTOINFLAMMATION, IMMUNODEFICIENCY, AND HEMATOLOGIC DEFECTS SYNDROME. Identifiers: Orphanet 404553, MedGen C3887654, MONDO:0014306, OMIM 615688, MONDO:0100317.

Allele frequency attached by ClinVar (database versions not stated): gnomAD exomes below 0.00001; TOPMed below 0.00001; ExAC 0.00001; gnomAD 0.00001.
gnomAD v4.1: 6 of 1,613,412 alleles (0.00037%); highest among the groups gnomAD compares: Non-Finnish European, 0.00051%; no homozygotes.

Submission:

Labcorp Genetics (formerly Invitae), Labcorp
Classification: Uncertain significance for Deficiency of adenosine deaminase 2. Last evaluated: 2024-01-02. Review status: criteria provided, single submitter. Criteria: Invitae Variant Classification Sherloc (09022015). Collection method: clinical testing. Allele origin: germline.
Comment: This sequence change replaces histidine, which is basic and polar, with tyrosine, which is neutral and polar, at codon 260 of the ADA2 protein (p.His260Tyr). This variant is present in population databases (rs778374105, gnomAD 0.0009%). This variant has not been reported in the literature in individuals affected with ADA2-related conditions. ClinVar contains an entry for this variant (Variation ID: 1435485). Advanced modeling of protein sequence and biophysical properties (such as structural, functional, and spatial information, amino acid conservation, physicochemical variation, residue mobility, and thermodynamic stability) performed at Invitae indicates that this missense variant is not expected to disrupt ADA2 protein function with a negative predictive value of 95%. In summary, the available evidence is currently insufficient to determine the role of this variant in disease. Therefore, it has been classified as a Variant of Uncertain Significance.

NM_001282225.2(ADA2):c.778C>T (p.His260Tyr)

Gene: ADA2 (adenosine deaminase 2; minus strand). Cytogenetic location: 22q11.1.
Variant type: single nucleotide variant.
Coding change: c.778C>T on transcript NM_001282225.2 (MANE Select); coding-DNA position 778, C replaced by T.
Protein change: p.His260Tyr; replaces histidine 260 with tyrosine.
Molecular consequence: missense variant.
Genome position (GRCh38, 1-based): chr22:17,191,786, G>A on the plus strand (C>T on the coding strand, the complement: ADA2 is on the minus strand). VCF-style: chr22-17191786-G-A. GRCh37 (hg19) VCF-style: chr22-17672676-G-A.
Other names: c.778C>T, p.His260Tyr (NM_001282226.2); c.652C>T, p.His218Tyr (NM_001282227.2, NM_001282228.2); c.418C>T, p.His140Tyr (NM_001282229.2); c.55C>T, p.His19Tyr (NM_177405.3); short protein forms H140Y, H218Y, H19Y, H260Y.
Identifiers: ClinVar variation 1435485 (VCV001435485.6), dbSNP rs778374105, ClinGen allele CA10088089.